The following is an entry in ClinVar:

NM_032043.3(BRIP1):c.2341A>G (p.Thr781Ala)

Gene: BRIP1 (BRCA1 interacting DNA helicase 1; minus strand). Cytogenetic location: 17q23.2.
Variant type: single nucleotide variant.
Coding change: c.2341A>G on transcript NM_032043.3 (MANE Select); coding-DNA position 2341, A replaced by G.
Protein change: p.Thr781Ala; replaces threonine 781 with alanine.
Molecular consequence: missense variant.
Genome position (GRCh38, 1-based): chr17:61,743,051, T>C on the plus strand (A>G on the coding strand, the complement: BRIP1 is on the minus strand). VCF-style: chr17-61743051-T-C. GRCh37 (hg19) VCF-style: chr17-59820412-T-C.
Other names: short protein forms T781A.
Identifiers: ClinVar variation 3251671 (VCV003251671.1), dbSNP rs2144676399.
Genomic context (GRCh38, chr17:61,743,051, plus strand): 5'-ACTTAAGGTTTTGATGGCCTACCTGTAGATCTTTCACATTTGGAAAAGGAATTCCTATTG[T>C]TATGACAGCACGGGCATTGTCATCTGAGAAATCCAGACCCTCACTCACTTTACCACGACA-3'
Protein context (NP_114432.2, residues 771-791): FSDDNARAVI[Thr781Ala]IGIPFPNVKD

ClinVar aggregate classification (germline): Uncertain significance (1 of 4 stars; one submission).

Submission:

Women's Health and Genetics/Laboratory Corporation of America, LabCorp
Classification: Uncertain significance. Last evaluated: 2024-04-26. Review status: criteria provided, single submitter. Criteria: LabCorp Variant Classification Summary - May 2015. Collection method: clinical testing. Allele origin: germline.
Comment: Variant summary: BRIP1 c.2341A>G (p.Thr781Ala) results in a non-conservative amino acid change located in the ATP-dependent helicase, C-terminal of the encoded protein sequence. Four of five in-silico tools predict a damaging effect of the variant on protein function. The variant was absent in 251326 control chromosomes. The available data on variant occurrences in the general population are insufficient to allow any conclusion about variant significance. To our knowledge, no occurrence of c.2341A>G in individuals affected with Breast Cancer and no experimental evidence demonstrating its impact on protein function have been reported. No submitters have cited clinical-significance assessments for this variant to ClinVar. Based on the evidence outlined above, the variant was classified as uncertain significance.